The following is an entry in ClinVar:

NM_001386795.1(DTNA):c.1766G>A (p.Arg589His)

Gene: DTNA (dystrobrevin alpha; plus strand). Cytogenetic location: 18q12.1.
Variant type: single nucleotide variant.
Coding change: c.1766G>A on transcript NM_001386795.1 (MANE Select); coding-DNA position 1766, G replaced by A.
Protein change: p.Arg589His; replaces arginine 589 with histidine.
Molecular consequence: missense variant.
Genome position (GRCh38, 1-based): chr18:34,875,261, G>A. VCF-style: chr18-34875261-G-A. GRCh37 (hg19) VCF-style: chr18-32455225-G-A.
Other names: c.1505G>A, p.Arg502His (NM_001198938.2, NM_001198940.2, NM_001386753.1 and 5 more transcripts); c.1526G>A, p.Arg509His (NM_001198939.2); c.812G>A, p.Arg271His (NM_001198942.1); c.755G>A, p.Arg252His (NM_001198943.1); c.641G>A, p.Arg214His (NM_001198944.1); c.1595G>A, p.Arg532His (NM_001386754.1, NM_001386755.1, NM_001386756.1 and 3 more transcripts); c.1592G>A, p.Arg531His (NM_001386760.1); c.1514G>A, p.Arg505His (NM_001386761.1, NM_032975.4); and 5 more; short protein forms R505H, R562H, R210H, R252H, R214H, R502H, R271H, R509H.
Identifiers: ClinVar variation 179015 (VCV000179015.12), dbSNP rs200246467, ClinGen allele CA183507.

ClinVar aggregate classification (germline): Conflicting classifications of pathogenicity. Review status: criteria provided, conflicting classifications (1 of 4 stars). 4 submissions from 4 submitters: Uncertain significance (3); Likely benign (1). Last evaluated 2026-01-06.

Conditions:
Left ventricular noncompaction 1 (LVNC1). Also called: LEFT VENTRICULAR NONCOMPACTION 1 WITH OR WITHOUT CONGENITAL HEART DEFECTS. Identifiers: Orphanet 54260, MedGen C1858725, MONDO:0011403, OMIM 604169.

Allele frequency attached by ClinVar (database versions not stated): TOPMed 0.00006; ESP Exome Variant Server 0.00008; ExAC 0.00016; 1000 Genomes Project 0.00020; 1000 Genomes Project 30x 0.00031.

Submissions (4):

Labcorp Genetics (formerly Invitae), Labcorp
Classification: Uncertain significance for Left ventricular noncompaction 1. Last evaluated: 2026-01-06. Review status: criteria provided, single submitter. Criteria: Invitae Variant Classification Sherloc (09022015). Collection method: clinical testing. Allele origin: germline.
Comment: This sequence change replaces arginine, which is basic and polar, with histidine, which is basic and polar, at codon 562 of the DTNA protein (p.Arg562His). This variant is present in population databases (rs200246467, gnomAD 0.06%), and has an allele count higher than expected for a pathogenic variant. This variant has not been reported in the literature in individuals affected with DTNA-related conditions. ClinVar contains an entry for this variant (Variation ID: 179015). An algorithm developed to predict the effect of missense changes on protein structure and function (PolyPhen-2) suggests that this variant is likely to be disruptive. In summary, the available evidence is currently insufficient to determine the role of this variant in disease. Therefore, it has been classified as a Variant of Uncertain Significance.

Women's Health and Genetics/Laboratory Corporation of America, LabCorp
Classification: Likely benign. Last evaluated: 2023-05-08. Review status: criteria provided, single submitter. Criteria: LabCorp Variant Classification Summary - May 2015. Collection method: clinical testing. Allele origin: germline.
Comment: Variant summary: DTNA c.1685G>A (p.Arg562His) results in a non-conservative amino acid change in the encoded protein sequence. Three of five in-silico tools predict a benign effect of the variant on protein function. The variant allele was found at a frequency of 0.00018 in 250934 control chromosomes, predominantly at a frequency of 0.00069 within the South Asian subpopulation in the gnomAD database. The observed variant frequency within South Asian control individuals in the gnomAD database is approximately 27.6 fold of the estimated maximal expected allele frequency for a pathogenic variant in DTNA causing Cardiomyopathy phenotype (2.5e-05), strongly suggesting that the variant is a benign polymorphism found primarily in populations of South Asian origin. To our knowledge, no occurrence of c.1685G>A in individuals affected with Cardiomyopathy and no experimental evidence demonstrating its impact on protein function have been reported. One clinical diagnostic laboratory has submitted clinical-significance assessments for this variant to ClinVar after 2014 without evidence for independent evaluation. One laboratory classified the variant as uncertain significance. Based on the evidence outlined above, the variant was classified as likely benign.

Laboratory for Molecular Medicine, Mass General Brigham Personalized Medicine
Classification: Uncertain significance. Last evaluated: 2013-12-12. Review status: criteria provided, single submitter. Criteria: LMM Criteria. Collection method: clinical testing. Allele origin: germline. Observed: 1 variant allele.
Comment: Variant classified as Uncertain Significance - Favor Benign. The Arg505His varia nt in DTNA has not been previously reported in individuals with cardiomyopathy, but has been identified in 1/8600 European American chromosomes by the NHLBI Exo me Sequencing Project and in 0.2% (3/1324) of chromosomes tested by the ClinSeq project. (dbSNP rs200246467). Arginine (Arg) at position 505 is not conserved in evolutionarily distant species and the frog and 4 fish species carry a histidine (His) at this position, raising the possibi lity that this change may be tolerated. Additional computational analyses (bioch emical amino acid properties, AlignGVGD, PolyPhen2, and SIFT) do not provide str ong support for or against an impact to the protein. While this frequency and la ck of conservation suggests that this variant is more likely benign, it is too l ow to confidently rule out a disease causing role. Additional information is nee ded to fully assess its clinical significance.

Biesecker Lab/Clinical Genomics Section, National Institutes of Health
Classification: Uncertain significance. Last evaluated: 2013-06-24. Review status: criteria provided, single submitter. Criteria: Ng et al. (Circ Cardiovasc Genet. 2013). Collection method: research. Allele origin: unknown. Observed: 1 variant allele. Study: ClinSeq.
Comment: The study set was not selected for affection status in relation to any cancer. Pathogenicity categories were based on literature curation. See Pubmed ID:23861362 for details.

Medical sequencing

Literature cited by the submitters: PubMed 23861362 (cited by Women's Health and Genetics/Laboratory Corporation of America, LabCorp).